The following is an entry in ClinVar:

ClinVar aggregate classification (germline): Uncertain significance (1 of 4 stars; one submission).

Conditions:
PCNT-related disorder. Also called: PCNT-related condition.

gnomAD v4.1: 2 of 1,610,118 alleles (0.00012%); highest among the groups gnomAD compares: East Asian, 0.0022%; no homozygotes.

Submission:

PreventionGenetics, part of Exact Sciences
Classification: Uncertain significance for PCNT-related condition. Last evaluated: 2026-09-01. Review status: criteria provided, single submitter. Criteria: ACMG Guidelines, 2015. Collection method: clinical testing. Allele origin: germline.
Comment: The PCNT c.6959A>T variant is predicted to result in the amino acid substitution p.Asp2320Val. To our knowledge, this variant has not been reported in the literature or in a large population database (gnomAD), indicating this variant is rare. At this time, the clinical significance of this variant is uncertain due to the absence of conclusive functional and genetic evidence.

NM_006031.6(PCNT):c.6959A>T (p.Asp2320Val)

Gene: PCNT (pericentrin; plus strand). Cytogenetic location: 21q22.3.
Variant type: single nucleotide variant.
Coding change: c.6959A>T on transcript NM_006031.6 (MANE Select); coding-DNA position 6959, A replaced by T.
Protein change: p.Asp2320Val; replaces aspartic acid 2320 with valine.
Molecular consequence: missense variant.
Genome position (GRCh38, 1-based): chr21:46,418,241, A>T. VCF-style: chr21-46418241-A-T. GRCh37 (hg19) VCF-style: chr21-47838155-A-T.
Other names: c.6605A>T, p.Asp2202Val (NM_001315529.2); short protein forms D2202V, D2320V.
Identifiers: ClinVar variation 4986690 (VCV004986690.1).